The following is an entry in ClinVar:

ClinVar aggregate classification (germline): Uncertain significance. Review status: criteria provided, multiple submitters, no conflicts (2 of 4 stars). 2 submissions from 2 submitters: Uncertain significance (2). Last evaluated 2025-12-09.

Conditions:
Cardiovascular phenotype. Identifiers: MedGen CN230736.
Long QT syndrome (LQTS). Identifiers: MedGen C0023976, MeSH D008133, MONDO:0002442. Disease mechanism: loss of function. Inheritance: Various modes of inheritance.

Allele frequency attached by ClinVar (database versions not stated): gnomAD exomes below 0.00001.
gnomAD v4.1: 2 of 1,613,724 alleles (0.00012%); highest among the groups gnomAD compares: Non-Finnish European, 0.00017%; no homozygotes.

Submissions (2):

Labcorp Genetics (formerly Invitae), Labcorp
Classification: Uncertain significance for Long QT syndrome. Last evaluated: 2025-12-09. Review status: criteria provided, single submitter. Criteria: Invitae Variant Classification Sherloc (09022015). Collection method: clinical testing. Allele origin: germline.
Comment: This sequence change replaces arginine, which is basic and polar, with glutamine, which is neutral and polar, at codon 1629 of the CACNA1C protein (p.Arg1629Gln). This variant is not present in population databases (gnomAD no frequency). This variant has not been reported in the literature in individuals affected with CACNA1C-related conditions. ClinVar contains an entry for this variant (Variation ID: 2452665). Invitae Evidence Modeling of protein sequence and biophysical properties (such as structural, functional, and spatial information, amino acid conservation, physicochemical variation, residue mobility, and thermodynamic stability) indicates that this missense variant is expected to disrupt CACNA1C protein function with a positive predictive value of 95%. In summary, the available evidence is currently insufficient to determine the role of this variant in disease. Therefore, it has been classified as a Variant of Uncertain Significance.

Ambry Genetics
Classification: Uncertain significance for Cardiovascular phenotype. Last evaluated: 2023-01-17. Review status: criteria provided, single submitter. Criteria: Ambry Variant Classification Scheme 2023. Collection method: clinical testing. Allele origin: germline.
Comment: The p.R1629Q variant (also known as c.4886G>A), located in coding exon 40 of the CACNA1C gene, results from a G to A substitution at nucleotide position 4886. The arginine at codon 1629 is replaced by glutamine, an amino acid with highly similar properties. This amino acid position is highly conserved in available vertebrate species. In addition, this alteration is predicted to be deleterious by in silico analysis. Since supporting evidence is limited at this time, the clinical significance of this alteration remains unclear.

NM_000719.7(CACNA1C):c.4886G>A (p.Arg1629Gln)

Genes: CACNA1C (calcium voltage-gated channel subunit alpha1 C; plus strand), CACNA1C-AS1 (CACNA1C antisense RNA 1; minus strand). Cytogenetic location: 12p13.33.
Variant type: single nucleotide variant.
Coding change: c.4886G>A on transcript NM_000719.7 (MANE Select); coding-DNA position 4886, G replaced by A.
Protein change: p.Arg1629Gln; replaces arginine 1629 with glutamine.
Molecular consequence: missense variant. On other transcripts: non-coding transcript variant (1).
Genome position (GRCh38, 1-based): chr12:2,677,151, G>A. VCF-style: chr12-2677151-G-A. GRCh37 (hg19) VCF-style: chr12-2786317-G-A.
Other names: c.5030G>A, p.Arg1677Gln (NM_001129827.2, NM_199460.4); c.5009G>A, p.Arg1670Gln (NM_001129829.2); c.4886G>A, p.Arg1629Gln (NM_001129830.3, NM_001129840.2, NM_001129841.2 and 4 more transcripts); c.4970G>A, p.Arg1657Gln (NM_001129831.2); c.4946G>A, p.Arg1649Gln (NM_001129832.2); c.4943G>A, p.Arg1648Gln (NM_001129833.2, NM_001129834.2, NM_001129835.2); c.4937G>A, p.Arg1646Gln (NM_001129836.2); c.4910G>A, p.Arg1637Gln (NM_001129837.2, NM_001129838.2); and 3 more; short protein forms R1626Q, R1649Q, R1618Q, R1637Q, R1646Q, R1648Q, R1635Q, R1657Q.
Identifiers: ClinVar variation 2452665 (VCV002452665.3), dbSNP rs2531955025, ClinGen allele CA383378015.
Genomic context (GRCh38, chr12:2,677,151, plus strand): 5'-CAGATGATGAGGTCACCGTTGGCAAGTTCTACGCCACGTTCCTGATCCAGGAGTACTTCC[G>A]GAAGTTCAAGAAGCGCAAAGAGCAGGGCCTTGTGGGCAAGCCCTCCCAGAGGAACGCGCT-3'
Protein context (NP_000710.5, residues 1619-1639): YATFLIQEYF[Arg1629Gln]KFKKRKEQGL